The following is an entry in ClinVar:

ClinVar aggregate classification (germline): Likely pathogenic (1 of 4 stars; one submission).

Conditions:
Very long chain acyl-CoA dehydrogenase deficiency (ACADVLD). Also called: Very Long-Chain Acyl-Coenzyme A Dehydrogenase Deficiency; VLCAD Deficiency. Identifiers: Orphanet 26793, MedGen C3887523, MONDO:0008723, OMIM 201475.

Submission:

Labcorp Genetics (formerly Invitae), Labcorp
Classification: Likely pathogenic for Very long chain acyl-CoA dehydrogenase deficiency. Last evaluated: 2022-08-16. Review status: criteria provided, single submitter. Criteria: Invitae Variant Classification Sherloc (09022015). Collection method: clinical testing. Allele origin: germline.
Comment: This variant results in the deletion of part of exon 3 (c.139-1_139delinsTT) of the ACADVL gene. It is expected to disrupt RNA splicing. Variants that disrupt the donor or acceptor splice site typically lead to a loss of protein function (PMID: 16199547), and loss-of-function variants in ACADVL are known to be pathogenic (PMID: 9973285, 11590124). Information on the frequency of this variant in the gnomAD database is not available, as this variant may be reported differently in the database. This variant has not been reported in the literature in individuals affected with ACADVL-related conditions. ClinVar contains an entry for this variant (Variation ID: 1512521). Algorithms developed to predict the effect of sequence changes on RNA splicing suggest that this variant may disrupt the consensus splice site. In summary, the currently available evidence indicates that the variant is pathogenic, but additional data are needed to prove that conclusively. Therefore, this variant has been classified as Likely Pathogenic.

Literature cited by the submitters: PubMed 16199547; PubMed 9973285; PubMed 11590124.

NM_000018.4(ACADVL):c.139-1_139delinsTT

Gene: ACADVL (acyl-CoA dehydrogenase very long chain; plus strand). Cytogenetic location: 17p13.1.
Variant type: Indel.
Coding change: c.139-1_139delinsTT on transcript NM_000018.4 (MANE Select); the canonical splice acceptor site of the intron before coding-DNA position 139 through coding-DNA position 139, GC replaced by TT.
Molecular consequence: splice acceptor variant. On other transcripts: intron variant (1).
Genome position (GRCh38, 1-based): chr17:7,220,463-7,220,464, GC replaced by TT. VCF-style: chr17-7220463-GC-TT. GRCh37 (hg19) VCF-style: chr17-7123782-GC-TT.
Other names: c.208-1_208delinsTT (NM_001270447.2); c.-90-1_-90delinsTT (NM_001270448.2); c.139-141_139-140delinsTT (NM_001033859.3).
Identifiers: ClinVar variation 1512521 (VCV001512521.8), dbSNP rs2142963941, ClinGen allele CA2573154520.